The following is an entry in ClinVar:

ClinVar aggregate classification (germline): Likely pathogenic (1 of 4 stars; one submission).

Conditions:
Renal tubular acidosis with progressive nerve deafness. Also called: Distal Renal Tubular Acidosis with Progressive Sensorineural Deafness; renal tubular acidosis, distal, 2, with progressive sensorineural hearing loss; RENAL TUBULAR ACIDOSIS, AUTOSOMAL RECESSIVE, WITH PROGRESSIVE NERVE DEAFNESS; RTA WITH PROGRESSIVE NERVE DEAFNESS. Identifiers: MedGen C0403554, MONDO:0009968, OMIM 267300.

Submission:

Natera, Inc.
Classification: Likely pathogenic for Renal tubular acidosis with progressive nerve deafness. Last evaluated: 2025-08-19. Review status: criteria provided, single submitter. Criteria: Natera Variant Classification Schema (03/2026). Collection method: clinical testing. Allele origin: germline.
Comment: The c.291_297del variant in ATP6V1B1 is a frameshift variant predicted to shift the reading frame beginning at codon 98 and leads to a stop codon 64 codons downstream. This variant is expected to result in nonsense mediated decay, truncation, or a dysfunctional protein product. This variant is rare in the general population with a frequency below the threshold expected for the associated phenotype(s). Given the available evidence, this variant is classified as Likely Pathogenic.

NM_001692.4(ATP6V1B1):c.291_297del (p.Gly98fs)

Gene: ATP6V1B1 (ATPase H+ transporting V1 subunit B1; plus strand). Cytogenetic location: 2p13.3.
Variant type: Deletion.
Coding change: c.291_297del on transcript NM_001692.4 (MANE Select); coding-DNA positions 291 to 297, 7 bases deleted (AGGGATC; older notation c.291_297delAGGGATC).
Protein change: p.Gly98fs; shifts the reading frame from glycine 98.
Molecular consequence: frameshift variant.
Genome position (GRCh38, 1-based): chr2:70,958,350-70,958,356, AGGGATC deleted; deleting any 7 consecutive bases within chr2:70,958,347-70,958,356 gives the same sequence; the c. name uses the placement nearest the transcript's 3' end. VCF-style (leftmost placement, unchanged base first): chr2-70958346-CATCAGGG-C. GRCh37 (hg19) VCF-style: chr2-71185476-CATCAGGG-C.
Other names: short protein forms G98fs.
Identifiers: ClinVar variation 4814933 (VCV004814933.1).